The following is an entry in ClinVar:

NM_001378120.1(MBD5):c.2888C>T (p.Pro963Leu)

Gene: MBD5 (methyl-CpG binding domain protein 5; plus strand). Cytogenetic location: 2q23.1.
Variant type: single nucleotide variant.
Coding change: c.2888C>T on transcript NM_001378120.1 (MANE Select); coding-DNA position 2888, C replaced by T.
Protein change: p.Pro963Leu; replaces proline 963 with leucine.
Molecular consequence: missense variant. On other transcripts: intron variant (6).
Genome position (GRCh38, 1-based): chr2:148,483,479, C>T. VCF-style: chr2-148483479-C-T. GRCh37 (hg19) VCF-style: chr2-149241048-C-T.
Other names: c.2888C>T, p.Pro963Leu (NM_001438854.1, NM_001438856.1, NM_001438857.1 and 1 more transcripts); c.2845+43C>T (NM_018328.5, NM_001438862.1, NM_001438860.1 and 3 more transcripts); short protein forms P963L.
Identifiers: ClinVar variation 4822434 (VCV004822434.4).

ClinVar aggregate classification (germline): Uncertain significance (1 of 4 stars; one submission).

gnomAD v4.1: 1 of 1,613,724 alleles (0.000062%); highest among the groups gnomAD compares: East Asian, 0.0022%; no homozygotes.

Submission:

CeGaT Center for Human Genetics Tuebingen
Classification: Uncertain significance. Last evaluated: 2026-01-01. Review status: criteria provided, single submitter. Criteria: CeGaT Center For Human Genetics Tuebingen Variant Classification Criteria Version 2. Collection method: clinical testing. Allele origin: germline. Affected: yes. Observed: 1 variant allele.
Comment: MBD5: PM2, BP4